The following is an entry in ClinVar:

NM_005921.2(MAP3K1):c.3212G>T (p.Ser1071Ile)

Genes: MAP3K1 (mitogen-activated protein kinase kinase kinase 1; plus strand), LOC126807392 (CDK7 strongly-dependent group 2 enhancer GRCh37_chr5:56178189-56179388; plus strand). Cytogenetic location: 5q11.2.
Variant type: single nucleotide variant.
Coding change: c.3212G>T on transcript NM_005921.2 (MANE Select); coding-DNA position 3212, G replaced by T.
Protein change: p.Ser1071Ile; replaces serine 1071 with isoleucine.
Molecular consequence: missense variant.
Genome position (GRCh38, 1-based): chr5:56,882,412, G>T. VCF-style: chr5-56882412-G-T. GRCh37 (hg19) VCF-style: chr5-56178239-G-T.
Other names: short protein forms S1071I.
Identifiers: ClinVar variation 2778164 (VCV002778164.3), dbSNP rs748409131, ClinGen allele CA3273136.

ClinVar aggregate classification (germline): Uncertain significance (1 of 4 stars; one submission).

Conditions:
46,XY sex reversal 6. Also called: 46,XY SEX REVERSAL, PARTIAL OR COMPLETE, MAP3K1-RELATED; 46,XY GONADAL DYSGENESIS, PARTIAL OR COMPLETE, MAP3K1-RELATED. Identifiers: MedGen C3151064, MONDO:0013410, OMIM 613762.

Allele frequency attached by ClinVar (database versions not stated): gnomAD exomes below 0.00001; ExAC 0.00001.
gnomAD v4.1: 3 of 1,614,076 alleles (0.00019%); highest among the groups gnomAD compares: South Asian, 0.0011%; no homozygotes.

Submission:

Labcorp Genetics (formerly Invitae), Labcorp
Classification: Uncertain significance for 46,XY sex reversal 6. Last evaluated: 2023-12-15. Review status: criteria provided, single submitter. Criteria: Invitae Variant Classification Sherloc (09022015). Collection method: clinical testing. Allele origin: germline.
Comment: This sequence change replaces serine, which is neutral and polar, with isoleucine, which is neutral and non-polar, at codon 1071 of the MAP3K1 protein (p.Ser1071Ile). This variant is present in population databases (rs748409131, gnomAD 0.003%). This variant has not been reported in the literature in individuals affected with MAP3K1-related conditions. Advanced modeling of protein sequence and biophysical properties (such as structural, functional, and spatial information, amino acid conservation, physicochemical variation, residue mobility, and thermodynamic stability) performed at Invitae indicates that this missense variant is not expected to disrupt MAP3K1 protein function with a negative predictive value of 80%. In summary, the available evidence is currently insufficient to determine the role of this variant in disease. Therefore, it has been classified as a Variant of Uncertain Significance.